The following is an entry in ClinVar:

ClinVar aggregate classification (germline): Benign (1 of 4 stars; one submission).

Conditions:
Xeroderma pigmentosum variant type. Also called: POLH-Related Xeroderma Pigmentosum; PHOTOSENSITIVITY WITH DEFECTIVE DNA SYNTHESIS; XERODERMA PIGMENTOSUM WITH NORMAL DNA REPAIR RATES. Identifiers: Orphanet 90342, MedGen C1848410, MONDO:0010214, OMIM 278750.

Allele frequency attached by ClinVar (database versions not stated): gnomAD 0.00002 and 0.00047; TOPMed 0.00012; 1000 Genomes Project 30x 0.00328; 1000 Genomes Project 0.00359.
gnomAD v4.1: 70 of 151,236 alleles (0.046%); highest among the groups gnomAD compares: South Asian, 1.4%; 1 homozygote.

Submission:

Illumina Laboratory Services, Illumina
Classification: Benign for Xeroderma pigmentosum variant type. Last evaluated: 2018-01-13. Review status: criteria provided, single submitter. Criteria: ICSL Variant Classification Criteria 13 December 2019. Collection method: clinical testing. Allele origin: germline.
Comment: This variant was observed in the ICSL laboratory as part of a predisposition screen in an ostensibly healthy population. It had not been previously curated by ICSL or reported in the Human Gene Mutation Database (HGMD: prior to June 1st, 2018), and was therefore a candidate for classification through an automated scoring system. Utilizing variant allele frequency, disease prevalence and penetrance estimates, and inheritance mode, an automated score was calculated to assess if this variant is too frequent to cause the disease. Based on the score and internal cut-off values, a variant classified as benign is not then subjected to further curation. The score for this variant resulted in a classification of benign for this disease.

NM_006502.3(POLH):c.*1940G>A

Gene: POLH (DNA polymerase eta; plus strand). Cytogenetic location: 6p21.1.
Variant type: single nucleotide variant.
Coding change: c.*1940G>A on transcript NM_006502.3 (MANE Select); 1940 bases downstream of the stop codon, G replaced by A.
Molecular consequence: 3 prime UTR variant.
Genome position (GRCh38, 1-based): chr6:43,616,497, G>A. VCF-style: chr6-43616497-G-A. GRCh37 (hg19) VCF-style: chr6-43584234-G-A.
Other names: c.*1940G>A (NM_001291969.2); c.*2766G>A (NM_001291970.2).
Identifiers: ClinVar variation 356954 (VCV000356954.7), dbSNP rs527613993, ClinGen allele CA10626812.
Genomic context (GRCh38, chr6:43,616,497, plus strand): 5'-AAATTAGCTGGGCTTGGTGGCAGGCGCCTGTAATCCCAGGTACTCGGGAGACTGAGGCAG[G>A]AGAATTGCTTGAACCTGGAAGGTGGAGGTTGCAGTGAGTTGAGATCACACCAATGCACTC-3'